The following is an entry in ClinVar:

NM_000090.4(COL3A1):c.1429G>T (p.Gly477Trp)

Gene: COL3A1 (collagen type III alpha 1 chain; plus strand). Cytogenetic location: 2q32.2.
Variant type: single nucleotide variant.
Coding change: c.1429G>T on transcript NM_000090.4 (MANE Select); coding-DNA position 1429, G replaced by T.
Protein change: p.Gly477Trp; replaces glycine 477 with tryptophan.
Molecular consequence: missense variant.
Genome position (GRCh38, 1-based): chr2:188,994,805, G>T. VCF-style: chr2-188994805-G-T. GRCh37 (hg19) VCF-style: chr2-189859531-G-T.
Other names: short protein forms G477W.
Identifiers: ClinVar variation 1068391 (VCV001068391.9), dbSNP rs2153502447, ClinGen allele CA349851904.
Genomic context (GRCh38, chr2:188,994,805, plus strand): 5'-GTTCCAGGAGCTAAAGGCGAAGATGGCAAGGATGGATCACCTGGAGAACCTGGTGCAAAT[G>T]GGCTTCCAGGAGCTGCAGGAGAAAGGGTACGTTTTCCATGGGGCATCTAAAAGAAAAGCA-3'
Protein context (NP_000081.2, residues 467-487): DGSPGEPGAN[Gly477Trp]LPGAAGERGA

ClinVar aggregate classification (germline): Likely pathogenic (1 of 4 stars; one submission).

Conditions:
Ehlers-Danlos syndrome, type 4 (EDSVASC). Also called: Ehlers-Danlos syndrome vascular type; Ehlers Danlos syndrome, ecchymotic type; Ehlers Danlos syndrome, arterial type; Ehlers Danlos syndrome, Sack-Barabas type; Ehlers-Danlos Syndrome Type IV. Identifiers: Orphanet 286, MedGen C0268338, MONDO:0017314, OMIM 130050.

Submission:

Labcorp Genetics (formerly Invitae), Labcorp
Classification: Likely pathogenic for Ehlers-Danlos syndrome, type 4. Last evaluated: 2021-02-16. Review status: criteria provided, single submitter. Criteria: Invitae Variant Classification Sherloc (09022015). Collection method: clinical testing. Allele origin: germline.
Comment: This sequence change replaces glycine with tryptophan at codon 477 of the COL3A1 protein (p.Gly477Trp). The glycine residue is highly conserved and there is a large physicochemical difference between glycine and tryptophan. This variant is not present in population databases (ExAC no frequency). This variant has been observed in individual(s) with clinical features of vascular Ehlers-Danlos syndrome (Invitae). Glycine residues within the Gly-Xaa-Yaa repeats of the triple helix domain are required for the structure and stability of fibrillar collagens (PMID: 7695699, 8218237, 19344236). In COL3A1, variants that affect these glycine residues are significantly enriched in individuals with disease (PMID: 24922459, 25758994) compared to the general population (ExAC). In summary, the currently available evidence indicates that the variant is pathogenic, but additional data are needed to prove that conclusively. Therefore, this variant has been classified as Likely Pathogenic.

Literature cited by the submitters: PubMed 7695699; PubMed 8218237; PubMed 19344236; PubMed 24922459; PubMed 25758994.